The following is an entry in ClinVar:

ClinVar aggregate classification (germline): Uncertain significance (1 of 4 stars; one submission).

Submission:

CeGaT Center for Human Genetics Tuebingen
Classification: Uncertain significance. Last evaluated: 2026-03-01. Review status: criteria provided, single submitter. Criteria: CeGaT Center For Human Genetics Tuebingen Variant Classification Criteria Version 2. Collection method: clinical testing. Allele origin: germline. Affected: yes. Observed: 1 variant allele.
Comment: FBN2: PM2

NM_001999.4(FBN2):c.864A>C (p.Gln288His)

Gene: FBN2 (fibrillin 2; minus strand). Cytogenetic location: 5q23.3.
Variant type: single nucleotide variant.
Coding change: c.864A>C on transcript NM_001999.4 (MANE Select); coding-DNA position 864, A replaced by C.
Protein change: p.Gln288His; replaces glutamine 288 with histidine.
Molecular consequence: missense variant.
Genome position (GRCh38, 1-based): chr5:128,446,569, T>G on the plus strand (A>C on the coding strand, the complement: FBN2 is on the minus strand). VCF-style: chr5-128446569-T-G. GRCh37 (hg19) VCF-style: chr5-127782262-T-G.
Other names: short protein forms Q288H.
Identifiers: ClinVar variation 4823651 (VCV004823651.4).